The following is an entry in ClinVar:

NM_015559.3(SETBP1):c.3661G>C (p.Ala1221Pro)

Gene: SETBP1 (SET binding protein 1; plus strand). Cytogenetic location: 18q12.3.
Variant type: single nucleotide variant.
Coding change: c.3661G>C on transcript NM_015559.3 (MANE Select); coding-DNA position 3661, G replaced by C.
Protein change: p.Ala1221Pro; replaces alanine 1221 with proline.
Molecular consequence: missense variant.
Genome position (GRCh38, 1-based): chr18:44,953,001, G>C. VCF-style: chr18-44953001-G-C. GRCh37 (hg19) VCF-style: chr18-42532966-G-C.
Other names: c.3661G>C, p.Ala1221Pro (NM_001379141.1, NM_001379142.1, NM_001410862.1); short protein forms A1221P.
Identifiers: ClinVar variation 4715526 (VCV004715526.1).

ClinVar aggregate classification (germline): Uncertain significance (1 of 4 stars; one submission).

Submission:

Labcorp Genetics (formerly Invitae), Labcorp
Classification: Uncertain significance. Last evaluated: 2025-10-02. Review status: criteria provided, single submitter. Criteria: Invitae Variant Classification Sherloc (09022015). Collection method: clinical testing. Allele origin: germline.
Comment: This sequence change replaces alanine, which is neutral and non-polar, with proline, which is neutral and non-polar, at codon 1221 of the SETBP1 protein (p.Ala1221Pro). This variant is present in population databases (rs754668298, gnomAD 0.003%). This variant has not been reported in the literature in individuals affected with SETBP1-related conditions. Invitae Evidence Modeling of protein sequence and biophysical properties (such as structural, functional, and spatial information, amino acid conservation, physicochemical variation, residue mobility, and thermodynamic stability) indicates that this missense variant is not expected to disrupt SETBP1 protein function with a negative predictive value of 80%. In summary, the available evidence is currently insufficient to determine the role of this variant in disease. Therefore, it has been classified as a Variant of Uncertain Significance.